The following is an entry in ClinVar:

NM_000719.7(CACNA1C):c.5126A>G (p.Tyr1709Cys)

Genes: CACNA1C (calcium voltage-gated channel subunit alpha1 C; plus strand), CACNA1C-AS1 (CACNA1C antisense RNA 1; minus strand). Cytogenetic location: 12p13.33.
Variant type: single nucleotide variant.
Coding change: c.5126A>G on transcript NM_000719.7 (MANE Select); coding-DNA position 5126, A replaced by G.
Protein change: p.Tyr1709Cys; replaces tyrosine 1709 with cysteine.
Molecular consequence: missense variant.
Genome position (GRCh38, 1-based): chr12:2,679,478, A>G. VCF-style: chr12-2679478-A-G. GRCh37 (hg19) VCF-style: chr12-2788644-A-G.
Other names: c.5270A>G, p.Tyr1757Cys (NM_001129827.2, NM_199460.4); c.5249A>G, p.Tyr1750Cys (NM_001129829.2); c.5126A>G, p.Tyr1709Cys (NM_001129830.3, NM_001129840.2, NM_001129841.2 and 4 more transcripts); c.5210A>G, p.Tyr1737Cys (NM_001129831.2); c.5186A>G, p.Tyr1729Cys (NM_001129832.2); c.5183A>G, p.Tyr1728Cys (NM_001129833.2, NM_001129834.2, NM_001129835.2); c.5177A>G, p.Tyr1726Cys (NM_001129836.2); c.5150A>G, p.Tyr1717Cys (NM_001129837.2, NM_001129838.2); and 3 more; short protein forms Y1698C, Y1706C, Y1709C, Y1715C, Y1717C, Y1726C, Y1728C, Y1729C.
Identifiers: ClinVar variation 1011458 (VCV001011458.10), dbSNP rs201980843, ClinGen allele CA6389712.

ClinVar aggregate classification (germline): Uncertain significance. Review status: criteria provided, multiple submitters, no conflicts (2 of 4 stars). 2 submissions from 2 submitters: Uncertain significance (2). Last evaluated 2025-02-12.

Conditions:
CACNA1C-Related Neurodevelopmental Syndrome. Identifiers: MedGen CN381149.
Long QT syndrome (LQTS). Identifiers: MedGen C0023976, MeSH D008133, MONDO:0002442. Disease mechanism: loss of function. Inheritance: Various modes of inheritance.

Allele frequency attached by ClinVar (database versions not stated): gnomAD exomes below 0.00001; TOPMed 0.00001; 1000 Genomes Project 0.00020; ExAC 0.00002; gnomAD 0.00001; 1000 Genomes Project 30x 0.00016.
gnomAD v4.1: 3 of 1,598,432 alleles (0.00019%); highest among the groups gnomAD compares: Admixed American, 0.0051%; no homozygotes.

Submissions (2):

Dasa
Classification: Uncertain significance for CACNA1C-Related Neurodevelopmental Syndrome. Last evaluated: 2025-02-12. Review status: criteria provided, single submitter. Criteria: DASA Assertion Criteria. Collection method: clinical testing. Allele origin: germline.
Comment: NM_000719.7(CACNA1C):c.5126A>G (p.Tyr1709Cys) is a missense variant that results in the substitution of tyrosine with cysteine. This variant is rare in population databases. Computational prediction algorithms are consistent with a deleterious effect. The currently available literature and clinical evidence are not sufficient to establish a definitive association between this variant and the reported condition. Therefore, this variant is classified as a variant of uncertain significance.

Labcorp Genetics (formerly Invitae), Labcorp
Classification: Uncertain significance for Long QT syndrome. Last evaluated: 2022-08-21. Review status: criteria provided, single submitter. Criteria: Invitae Variant Classification Sherloc (09022015). Collection method: clinical testing. Allele origin: germline.
Comment: In summary, the available evidence is currently insufficient to determine the role of this variant in disease. Therefore, it has been classified as a Variant of Uncertain Significance. Algorithms developed to predict the effect of missense changes on protein structure and function output the following: SIFT: "Tolerated"; PolyPhen-2: "Probably Damaging"; Align-GVGD: "Class C0". The cysteine amino acid residue is found in multiple mammalian species, which suggests that this missense change does not adversely affect protein function. ClinVar contains an entry for this variant (Variation ID: 1011458). This variant has not been reported in the literature in individuals affected with CACNA1C-related conditions. This variant is present in population databases (rs201980843, gnomAD 0.003%). This sequence change replaces tyrosine, which is neutral and polar, with cysteine, which is neutral and slightly polar, at codon 1709 of the CACNA1C protein (p.Tyr1709Cys).